The following is an entry in ClinVar:

ClinVar aggregate classification (germline): Uncertain significance (1 of 4 stars; one submission).

Conditions:
Early Myoclonic Encephalopathy. Identifiers: MedGen C0270855.

Allele frequency attached by ClinVar (database versions not stated): gnomAD exomes 0.00002; ExAC 0.00001.
gnomAD v4.1: 24 of 1,613,912 alleles (0.0015%); highest among the groups gnomAD compares: Non-Finnish European, 0.002%; no homozygotes.

Submission:

Labcorp Genetics (formerly Invitae), Labcorp
Classification: Uncertain significance for Early Myoclonic Encephalopathy. Last evaluated: 2024-10-23. Review status: criteria provided, single submitter. Criteria: Invitae Variant Classification Sherloc (09022015). Collection method: clinical testing. Allele origin: germline.
Comment: This sequence change replaces serine, which is neutral and polar, with cysteine, which is neutral and slightly polar, at codon 2301 of the JMJD1C protein (p.Ser2301Cys). This variant is present in population databases (rs772773150, gnomAD 0.002%). This variant has not been reported in the literature in individuals affected with JMJD1C-related conditions. ClinVar contains an entry for this variant (Variation ID: 2145294). Invitae Evidence Modeling of protein sequence and biophysical properties (such as structural, functional, and spatial information, amino acid conservation, physicochemical variation, residue mobility, and thermodynamic stability) indicates that this missense variant is expected to disrupt JMJD1C protein function with a positive predictive value of 80%. In summary, the available evidence is currently insufficient to determine the role of this variant in disease. Therefore, it has been classified as a Variant of Uncertain Significance.

NM_032776.3(JMJD1C):c.6902C>G (p.Ser2301Cys)

Gene: JMJD1C (jumonji domain containing 1C; minus strand). Cytogenetic location: 10q21.3.
Variant type: single nucleotide variant.
Coding change: c.6902C>G on transcript NM_032776.3 (MANE Select); coding-DNA position 6902, C replaced by G.
Protein change: p.Ser2301Cys; replaces serine 2301 with cysteine.
Molecular consequence: missense variant. On other transcripts: non-coding transcript variant (1).
Genome position (GRCh38, 1-based): chr10:63,184,667, G>C on the plus strand (C>G on the coding strand, the complement: JMJD1C is on the minus strand). VCF-style: chr10-63184667-G-C. GRCh37 (hg19) VCF-style: chr10-64944427-G-C.
Other names: c.6356C>G, p.Ser2119Cys (NM_001282948.2, NM_001318154.2); c.6038C>G, p.Ser2013Cys (NM_001318153.2); c.6788C>G, p.Ser2263Cys (NM_001322252.2); c.6245C>G, p.Ser2082Cys (NM_001322254.2, NM_001322258.2); short protein forms S2082C, S2119C, S2263C, S2013C, S2301C.
Identifiers: ClinVar variation 2145294 (VCV002145294.4), dbSNP rs772773150, ClinGen allele CA5517766.
Genomic context (GRCh38, chr10:63,184,667, plus strand): 5'-CCATAGGCACTGCACAACCTGGGTCCTAGATCAGGACGTACAAAAAATCCTGGCAAATGA[G>C]AGGCCAAATTGAATTTTCCTTCTGGATTACAATATTCTGGCAATGGCAGACTTTTTAAAA-3'
Protein context (NP_116165.1, residues 2291-2311): CNPEGKFNLA[Ser2301Cys]HLPGFFVRPD